The following is an entry in ClinVar:

NM_003002.4(SDHD):c.376G>A (p.Ala126Thr)

Gene: SDHD (succinate dehydrogenase complex subunit D; plus strand). Cytogenetic location: 11q23.1.
Variant type: single nucleotide variant.
Coding change: c.376G>A on transcript NM_003002.4 (MANE Select); coding-DNA position 376, G replaced by A.
Protein change: p.Ala126Thr; replaces alanine 126 with threonine.
Molecular consequence: missense variant. On other transcripts: synonymous variant (1), 3 prime UTR variant (1), non-coding transcript variant (1).
Genome position (GRCh38, 1-based): chr11:112,094,866, G>A. VCF-style: chr11-112094866-G-A. GRCh37 (hg19) VCF-style: chr11-111965590-G-A.
Other names: c.231G>A, p.Arg77= (NM_001276503.2); c.259G>A, p.Ala87Thr (NM_001276504.2); c.*74G>A (NM_001276506.2); short protein forms A126T, A87T.
Identifiers: ClinVar variation 824183 (VCV000824183.12), dbSNP rs1592786265, ClinGen allele CA382619058.
Genomic context (GRCh38, chr11:112,094,866, plus strand): 5'-GGCCTTGGACAAGTTGTTACTGACTATGTTCATGGGGATGCCTTGCAGAAAGCTGCCAAG[G>A]CAGGGCTTTTGGCACTTTCAGCTTTAACCTTTGCTGGGCTTTGCTATTTCAACTATCACG-3'
Protein context (NP_002993.1, residues 116-136): HGDALQKAAK[Ala126Thr]GLLALSALTF

ClinVar aggregate classification (germline): Uncertain significance. Review status: criteria provided, multiple submitters, no conflicts (2 of 4 stars). 2 submissions from 2 submitters: Uncertain significance (2). Last evaluated 2025-05-05.

Conditions:
Hereditary cancer-predisposing syndrome. Also called: Neoplastic Syndromes, Hereditary; Tumor predisposition; Hereditary neoplastic syndrome; Hereditary Cancer Syndrome. Identifiers: Orphanet 140162, MedGen C0027672, MeSH D009386, MONDO:0015356.
Pheochromocytoma. Also called: MAX-Related Hereditary Paraganglioma-Pheochromocytoma Syndrome. Identifiers: Orphanet 29072, MedGen C0031511, MONDO:0008233, OMIM 171300, HP:0002666.
Paragangliomas with sensorineural hearing loss. Identifiers: MedGen C1868633.
Carney-Stratakis syndrome. Also called: PARAGANGLIOMA AND GASTROINTESTINAL STROMAL TUMOR. Identifiers: Orphanet 97286, MedGen C1847319, MONDO:0011740, OMIM 606864.
Cowden syndrome 3 (CWS3). Identifiers: Orphanet 201, MedGen CN166604, MONDO:0014045.

Submissions (2):

Labcorp Genetics (formerly Invitae), Labcorp
Classification: Uncertain significance for Carney-Stratakis syndrome; Paragangliomas with sensorineural hearing loss; Pheochromocytoma; Cowden syndrome 3. Last evaluated: 2025-05-05. Review status: criteria provided, single submitter. Criteria: Invitae Variant Classification Sherloc (09022015). Collection method: clinical testing. Allele origin: germline.
Comment: This sequence change replaces alanine, which is neutral and non-polar, with threonine, which is neutral and polar, at codon 126 of the SDHD protein (p.Ala126Thr). This variant is not present in population databases (gnomAD no frequency). This variant has not been reported in the literature in individuals affected with SDHD-related conditions. ClinVar contains an entry for this variant (Variation ID: 824183). Invitae Evidence Modeling of protein sequence and biophysical properties (such as structural, functional, and spatial information, amino acid conservation, physicochemical variation, residue mobility, and thermodynamic stability) indicates that this missense variant is not expected to disrupt SDHD protein function with a negative predictive value of 95%. In summary, the available evidence is currently insufficient to determine the role of this variant in disease. Therefore, it has been classified as a Variant of Uncertain Significance.

Ambry Genetics
Classification: Uncertain significance for Hereditary cancer-predisposing syndrome. Last evaluated: 2018-02-16. Review status: criteria provided, single submitter. Criteria: Ambry Variant Classification Scheme 2023. Collection method: clinical testing. Allele origin: germline.
Comment: The p.A126T variant (also known as c.376G>A), located in coding exon 4 of the SDHD gene, results from a G to A substitution at nucleotide position 376. The alanine at codon 126 is replaced by threonine, an amino acid with similar properties. This amino acid position is well conserved in available vertebrate species. In addition, the in silico prediction for this alteration is inconclusive. Since supporting evidence is limited at this time, the clinical significance of this alteration remains unclear.